The following is an entry in ClinVar:

ClinVar aggregate classification (germline): Uncertain significance (1 of 4 stars; one submission).

Conditions:
Myofibrillar myopathy 5. Also called: Filaminopathy (type); FILAMINOPATHY, AUTOSOMAL DOMINANT. Identifiers: Orphanet 171445, MedGen C1836050, MONDO:0012289, OMIM 609524.
Distal myopathy with posterior leg and anterior hand involvement. Also called: WILLIAMS DISTAL MYOPATHY. Identifiers: Orphanet 63273, MedGen C3279722, MONDO:0013550, OMIM 614065.
Hypertrophic cardiomyopathy 26. Also called: Cardiomyopathy, familial hypertrophic, 26. Identifiers: Orphanet 75249, MedGen C4310749, MONDO:0014883, OMIM 617047.

Allele frequency attached by ClinVar (database versions not stated): gnomAD exomes below 0.00001.
gnomAD v4.1: 1 of 1,613,412 alleles (0.000062%); highest among the groups gnomAD compares: Non-Finnish European, 0.000085%; no homozygotes.

Submission:

Labcorp Genetics (formerly Invitae), Labcorp
Classification: Uncertain significance for Distal myopathy with posterior leg and anterior hand involvement; Myofibrillar myopathy 5; Hypertrophic cardiomyopathy 26. Last evaluated: 2024-09-11. Review status: criteria provided, single submitter. Criteria: Invitae Variant Classification Sherloc (09022015). Collection method: clinical testing. Allele origin: germline.
Comment: This sequence change replaces asparagine, which is neutral and polar, with serine, which is neutral and polar, at codon 1843 of the FLNC protein (p.Asn1843Ser). This variant is not present in population databases (gnomAD no frequency). This missense change has been observed in individual(s) with hypertrophic cardiomyopathy (PMID: 28356264). Invitae Evidence Modeling of protein sequence and biophysical properties (such as structural, functional, and spatial information, amino acid conservation, physicochemical variation, residue mobility, and thermodynamic stability) has been performed for this missense variant. However, the output from this modeling did not meet the statistical confidence thresholds required to predict the impact of this variant on FLNC protein function. In summary, the available evidence is currently insufficient to determine the role of this variant in disease. Therefore, it has been classified as a Variant of Uncertain Significance.

Literature cited by the submitters: PubMed 28356264.

NM_001458.5(FLNC):c.5528A>G (p.Asn1843Ser)

Genes: FLNC-AS1 (FLNC antisense RNA 1; minus strand), FLNC (filamin C; plus strand). Cytogenetic location: 7q32.1.
Variant type: single nucleotide variant.
Coding change: c.5528A>G on transcript NM_001458.5 (MANE Select); coding-DNA position 5528, A replaced by G.
Protein change: p.Asn1843Ser; replaces asparagine 1843 with serine.
Molecular consequence: missense variant.
Genome position (GRCh38, 1-based): chr7:128,850,932, A>G. VCF-style: chr7-128850932-A-G. GRCh37 (hg19) VCF-style: chr7-128490986-A-G.
Other names: c.5429A>G, p.Asn1810Ser (NM_001127487.2); short protein forms N1810S, N1843S.
Identifiers: ClinVar variation 2936088 (VCV002936088.3), dbSNP rs2536654881, ClinGen allele CA369207047.